The following is an entry in ClinVar:

NM_002296.4(LBR):c.785A>G (p.Tyr262Cys)

Gene: LBR (lamin B receptor; minus strand). Cytogenetic location: 1q42.12.
Variant type: single nucleotide variant.
Coding change: c.785A>G on transcript NM_002296.4 (MANE Select); coding-DNA position 785, A replaced by G.
Protein change: p.Tyr262Cys; replaces tyrosine 262 with cysteine.
Molecular consequence: missense variant.
Genome position (GRCh38, 1-based): chr1:225,418,036, T>C on the plus strand (A>G on the coding strand, the complement: LBR is on the minus strand). VCF-style: chr1-225418036-T-C. GRCh37 (hg19) VCF-style: chr1-225605738-T-C.
Other names: c.785A>G, p.Tyr262Cys (NM_194442.3); c.785A>G (NM_002296.3); short protein forms Y262C.
Identifiers: ClinVar variation 1053232 (VCV001053232.10), dbSNP rs989833855, ClinGen allele CA38518486.

ClinVar aggregate classification (germline): Uncertain significance. Review status: criteria provided, multiple submitters, no conflicts (2 of 4 stars). 2 submissions from 2 submitters: Uncertain significance (2). Last evaluated 2025-09-01.

Conditions:
Inborn genetic diseases. Identifiers: MedGen C0950123, MeSH D030342.

Allele frequency attached by ClinVar (database versions not stated): gnomAD 0.00002.
gnomAD v4.1: 4 of 1,613,970 alleles (0.00025%); highest among the groups gnomAD compares: African/African-American, 0.0027%; no homozygotes.

Submissions (2):

Ambry Genetics
Classification: Uncertain significance for Inborn genetic diseases. Last evaluated: 2025-09-01. Review status: criteria provided, single submitter. Criteria: Ambry Variant Classification Scheme 2023. Collection method: clinical testing. Allele origin: germline.

Labcorp Genetics (formerly Invitae), Labcorp
Classification: Uncertain significance. Last evaluated: 2024-01-26. Review status: criteria provided, single submitter. Criteria: Invitae Variant Classification Sherloc (09022015). Collection method: clinical testing. Allele origin: germline.
Comment: This sequence change replaces tyrosine, which is neutral and polar, with cysteine, which is neutral and slightly polar, at codon 262 of the LBR protein (p.Tyr262Cys). This variant is not present in population databases (gnomAD no frequency). This variant has not been reported in the literature in individuals affected with LBR-related conditions. ClinVar contains an entry for this variant (Variation ID: 1053232). Advanced modeling of protein sequence and biophysical properties (such as structural, functional, and spatial information, amino acid conservation, physicochemical variation, residue mobility, and thermodynamic stability) performed at Invitae indicates that this missense variant is not expected to disrupt LBR protein function with a negative predictive value of 80%. In summary, the available evidence is currently insufficient to determine the role of this variant in disease. Therefore, it has been classified as a Variant of Uncertain Significance.